The following is an entry in ClinVar:

ClinVar aggregate classification (germline): Pathogenic. Review status: criteria provided, multiple submitters, no conflicts (2 of 4 stars). 2 submissions from 2 submitters: Pathogenic (2). Last evaluated 2025-03-18.

Conditions:
X-linked agammaglobulinemia (XLA). Also called: Bruton's agammaglobulinemia; AGAMMAGLOBULINEMIA, X-LINKED, TYPE 1; IMMUNODEFICIENCY 1; Bruton-type agammaglobulinemia; Agammaglobulinemia, Bruton tyrosine kinase; Agammaglobulinemia, BTK. Identifiers: Orphanet 229717, Orphanet 47, MedGen C0221026, MONDO:0010421, OMIM 300755.
X-linked agammaglobulinemia with growth hormone deficiency (IGHD3). Also called: AGAMMAGLOBULINEMIA AND ISOLATED GROWTH HORMONE DEFICIENCY, X-LINKED; FLEISHER SYNDROME; HYPOGAMMAGLOBULINEMIA AND ISOLATED GROWTH HORMONE DEFICIENCY, X-LINKED; IGHD III; ISOLATED GROWTH HORMONE DEFICIENCY, TYPE III, WITH AGAMMAGLOBULINEMIA; Isolated growth hormone deficiency type 3. Identifiers: Orphanet 231692, Orphanet 631, MedGen C0472813, MONDO:0010615, OMIM 307200.

Submissions (2):

Labcorp Genetics (formerly Invitae), Labcorp
Classification: Pathogenic for X-linked agammaglobulinemia with growth hormone deficiency. Last evaluated: 2025-03-18. Review status: criteria provided, single submitter. Criteria: Invitae Variant Classification Sherloc (09022015). Collection method: clinical testing. Allele origin: germline.
Comment: This sequence change creates a premature translational stop signal (p.Gln380*) in the BTK gene. It is expected to result in an absent or disrupted protein product. Loss-of-function variants in BTK are known to be pathogenic (PMID: 15661032, 16862044, 19419768). This variant is not present in population databases (gnomAD no frequency). This premature translational stop signal has been observed in individual(s) with X-linked agammaglobulinemia (PMID: 15661032). ClinVar contains an entry for this variant (Variation ID: 632732). For these reasons, this variant has been classified as Pathogenic.

Women's Health and Genetics/Laboratory Corporation of America, LabCorp
Classification: Pathogenic for X-linked agammaglobulinemia. Last evaluated: 2023-01-25. Review status: criteria provided, single submitter. Criteria: LabCorp Variant Classification Summary - May 2015. Collection method: clinical testing. Allele origin: germline.
Comment: Variant summary: BTK c.1138C>T (p.Gln380X) results in a premature termination codon, predicted to cause a truncation of the encoded protein or absence of the protein due to nonsense mediated decay, which are commonly known mechanisms for disease. Truncations downstream of this position have been classified as pathogenic by our laboratory. The variant was absent in 183516 control chromosomes (gnomAD). c.1138C>T has been reported in the literature in individuals affected with X-Linked Agammaglobulinemia (example: Conley_2005 and Khan_2021). These data indicate that the variant is associated with disease. One clinical diagnostic laboratory has submitted clinical-significance assessments for this variant to ClinVar after 2014 and classified the variant as pathogenic. Based on the evidence outlined above, the variant was classified as pathogenic.

Literature cited by the submitters: PubMed 15661032 (cited by Labcorp Genetics (formerly Invitae), Labcorp and Women's Health and Genetics/Laboratory Corporation of America, LabCorp); PubMed 16862044 (cited by Labcorp Genetics (formerly Invitae), Labcorp); PubMed 19419768 (cited by Labcorp Genetics (formerly Invitae), Labcorp); PubMed 34029777 (cited by Women's Health and Genetics/Laboratory Corporation of America, LabCorp).

NM_000061.3(BTK):c.1138C>T (p.Gln380Ter)

Gene: BTK (Bruton tyrosine kinase; minus strand). Cytogenetic location: Xq22.1.
Variant type: single nucleotide variant.
Coding change: c.1138C>T on transcript NM_000061.3 (MANE Select); coding-DNA position 1138, C replaced by T.
Protein change: p.Gln380Ter; replaces glutamine 380 with a stop codon.
Molecular consequence: nonsense. On other transcripts: intron variant (1).
Genome position (GRCh38, 1-based): chrX:101,357,548, G>A on the plus strand (C>T on the coding strand, the complement: BTK is on the minus strand). VCF-style: chrX-101357548-G-A. GRCh37 (hg19) VCF-style: chrX-100612536-G-A.
Other names: c.1240C>T, p.Gln414Ter (NM_001287344.2); c.1038+826C>T (NM_001287345.2); short protein forms Q380*, Q414*.
Identifiers: ClinVar variation 632732 (VCV000632732.14), dbSNP rs1569292021, ClinGen allele CA413926351.